The following is an entry in ClinVar:

ClinVar aggregate classification (germline): Uncertain significance (1 of 4 stars; one submission).

gnomAD v4.1: 1 of 1,614,024 alleles (0.000062%); highest among the groups gnomAD compares: Non-Finnish European, 0.000085%; no homozygotes.

Submission:

GeneDx
Classification: Uncertain significance. Last evaluated: 2024-02-22. Review status: criteria provided, single submitter. Criteria: GeneDx Variant Classification Process June 2021. Collection method: clinical testing. Allele origin: germline. Affected: yes.
Comment: Not observed at significant frequency in large population cohorts (gnomAD); In silico analysis supports that this missense variant has a deleterious effect on protein structure/function; Has not been previously published as pathogenic or benign to our knowledge

NM_001190274.2(FBXO11):c.1515A>G (p.Ile505Met)

Gene: FBXO11 (F-box protein 11; minus strand). Cytogenetic location: 2p16.3.
Variant type: single nucleotide variant.
Coding change: c.1515A>G on transcript NM_001190274.2 (MANE Select); coding-DNA position 1515, A replaced by G.
Protein change: p.Ile505Met; replaces isoleucine 505 with methionine.
Molecular consequence: missense variant.
Genome position (GRCh38, 1-based): chr2:47,823,244, T>C on the plus strand (A>G on the coding strand, the complement: FBXO11 is on the minus strand). VCF-style: chr2-47823244-T-C. GRCh37 (hg19) VCF-style: chr2-48050383-T-C.
Other names: c.1263A>G, p.Ile421Met (NM_001374325.1, NM_025133.4); short protein forms I421M, I505M.
Identifiers: ClinVar variation 3369646 (VCV003369646.1).